The following is an entry in ClinVar:

ClinVar aggregate classification (germline): Uncertain significance (1 of 4 stars; one submission).

Conditions:
3-methylglutaconic aciduria, type VIIB (MGCA7B). Also called: 3-methylglutaconic aciduria with cataracts, neurologic involvement and neutropenia; 3-methylglutaconic aciduria, type VII, with cataracts, neurologic involvement and neutropenia; CLPB Deficiency. Identifiers: Orphanet 445038, MedGen C5676893, MONDO:0014561, OMIM 616271.

Allele frequency attached by ClinVar (database versions not stated): gnomAD exomes below 0.00001; ExAC 0.00001.
gnomAD v4.1: 2 of 1,613,970 alleles (0.00012%); highest among the groups gnomAD compares: Non-Finnish European, 0.000085%; no homozygotes.

Submission:

Labcorp Genetics (formerly Invitae), Labcorp
Classification: Uncertain significance for 3-methylglutaconic aciduria, type VIIB. Last evaluated: 2022-07-26. Review status: criteria provided, single submitter. Criteria: Invitae Variant Classification Sherloc (09022015). Collection method: clinical testing. Allele origin: germline.
Comment: This variant is present in population databases (rs757880862, gnomAD no frequency). This sequence change replaces threonine, which is neutral and polar, with arginine, which is basic and polar, at codon 301 of the CLPB protein (p.Thr301Arg). This variant has not been reported in the literature in individuals affected with CLPB-related conditions. In summary, the available evidence is currently insufficient to determine the role of this variant in disease. Therefore, it has been classified as a Variant of Uncertain Significance. Algorithms developed to predict the effect of missense changes on protein structure and function (SIFT, PolyPhen-2, Align-GVGD) all suggest that this variant is likely to be tolerated. ClinVar contains an entry for this variant (Variation ID: 1021182).

NM_001258392.3(CLPB):c.812C>G (p.Thr271Arg)

Gene: CLPB (ClpB family mitochondrial disaggregase; minus strand). Cytogenetic location: 11q13.4.
Variant type: single nucleotide variant.
Coding change: c.812C>G on transcript NM_001258392.3 (MANE Select); coding-DNA position 812, C replaced by G.
Protein change: p.Thr271Arg; replaces threonine 271 with arginine.
Molecular consequence: missense variant.
Genome position (GRCh38, 1-based): chr11:72,329,768, G>C on the plus strand (C>G on the coding strand, the complement: CLPB is on the minus strand). VCF-style: chr11-72329768-G-C. GRCh37 (hg19) VCF-style: chr11-72040812-G-C.
Other names: c.725C>G, p.Thr242Arg (NM_001258393.3); c.767C>G, p.Thr256Arg (NM_001258394.3); c.902C>G, p.Thr301Arg (NM_030813.6); short protein forms T242R, T256R, T271R, T301R.
Identifiers: ClinVar variation 1021182 (VCV001021182.9), dbSNP rs757880862, ClinGen allele CA6171369.